The following is an entry in ClinVar:

NM_021096.4(CACNA1I):c.3655A>G (p.Met1219Val)

Gene: CACNA1I (calcium voltage-gated channel subunit alpha1 I; plus strand). Cytogenetic location: 22q13.1.
Variant type: single nucleotide variant.
Coding change: c.3655A>G on transcript NM_021096.4 (MANE Select); coding-DNA position 3655, A replaced by G.
Protein change: p.Met1219Val; replaces methionine 1219 with valine.
Molecular consequence: missense variant.
Genome position (GRCh38, 1-based): chr22:39,664,148, A>G. VCF-style: chr22-39664148-A-G. GRCh37 (hg19) VCF-style: chr22-40060153-A-G.
Other names: c.3550A>G, p.Met1184Val (NM_001003406.2); short protein forms M1184V, M1219V.
Identifiers: ClinVar variation 3359746 (VCV003359746.1).

ClinVar aggregate classification (germline): Uncertain significance (1 of 4 stars; one submission).

Submission:

GeneDx
Classification: Uncertain significance. Last evaluated: 2023-06-12. Review status: criteria provided, single submitter. Criteria: GeneDx Variant Classification Process June 2021. Collection method: clinical testing. Allele origin: germline. Affected: yes.
Comment: Not observed at significant frequency in large population cohorts (gnomAD); In silico analysis supports that this missense variant has a deleterious effect on protein structure/function; In silico analysis suggests this variant may impact gene splicing. In the absence of RNA/functional studies, the actual effect of this sequence change is unknown.; Has not been previously published as pathogenic or benign to our knowledge